The following is an entry in ClinVar:

NM_006015.6(ARID1A):c.5124+5G>T

Gene: ARID1A (AT-rich interaction domain 1A; plus strand). Cytogenetic location: 1p36.11.
Variant type: single nucleotide variant.
Coding change: c.5124+5G>T on transcript NM_006015.6 (MANE Select); 5 bases into the intron after coding-DNA position 5124, G replaced by T.
Molecular consequence: intron variant.
Genome position (GRCh38, 1-based): chr1:26,775,712, G>T. VCF-style: chr1-26775712-G-T. GRCh37 (hg19) VCF-style: chr1-27102203-G-T.
Other names: c.4473+5G>T (NM_139135.4).
Identifiers: ClinVar variation 3653713 (VCV003653713.2).

ClinVar aggregate classification (germline): Uncertain significance (1 of 4 stars; one submission).

Submission:

Labcorp Genetics (formerly Invitae), Labcorp
Classification: Uncertain significance. Last evaluated: 2024-05-17. Review status: criteria provided, single submitter. Criteria: Invitae Variant Classification Sherloc (09022015). Collection method: clinical testing. Allele origin: germline.
Comment: This sequence change falls in intron 19 of the ARID1A gene. It does not directly change the encoded amino acid sequence of the ARID1A protein. It affects a nucleotide within the consensus splice site. This variant is not present in population databases (gnomAD no frequency). This variant has not been reported in the literature in individuals affected with ARID1A-related conditions. Variants that disrupt the consensus splice site are a relatively common cause of aberrant splicing (PMID: 17576681, 9536098). Algorithms developed to predict the effect of sequence changes on RNA splicing suggest that this variant may disrupt the consensus splice site. In summary, the available evidence is currently insufficient to determine the role of this variant in disease. Therefore, it has been classified as a Variant of Uncertain Significance.

Literature cited by the submitters: PubMed 17576681; PubMed 9536098.